The following is an entry in ClinVar:

ClinVar aggregate classification (germline): Uncertain significance (1 of 4 stars; one submission).

Allele frequency attached by ClinVar (database versions not stated): gnomAD exomes 0.00001.
gnomAD v4.1: 4 of 1,551,580 alleles (0.00026%); highest among the groups gnomAD compares: South Asian, 0.0012%; no homozygotes.

Submission:

Labcorp Genetics (formerly Invitae), Labcorp
Classification: Uncertain significance. Last evaluated: 2021-09-05. Review status: criteria provided, single submitter. Criteria: Invitae Variant Classification Sherloc (09022015). Collection method: clinical testing. Allele origin: germline.
Comment: This sequence change replaces arginine with glutamine at codon 2434 of the EYS protein (p.Arg2434Gln). The arginine residue is moderately conserved and there is a small physicochemical difference between arginine and glutamine. This variant is not present in population databases (ExAC no frequency). This variant has not been reported in the literature in individuals with EYS-related conditions. Algorithms developed to predict the effect of missense changes on protein structure and function output the following: SIFT: "Tolerated"; PolyPhen-2: "Benign"; Align-GVGD: "Class C0". The glutamine amino acid residue is found in multiple mammalian species, suggesting that this missense change does not adversely affect protein function. These predictions have not been confirmed by published functional studies and their clinical significance is uncertain. Algorithms developed to predict the effect of sequence changes on RNA splicing suggest that this variant may create or strengthen a splice site, but this prediction has not been confirmed by published transcriptional studies. In summary, the available evidence is currently insufficient to determine the role of this variant in disease. Therefore, it has been classified as a Variant of Uncertain Significance.

NM_001142800.2(EYS):c.7301G>A (p.Arg2434Gln)

Gene: EYS (EGF-like photoreceptor maintenance factor; minus strand). Cytogenetic location: 6q12.
Variant type: single nucleotide variant.
Coding change: c.7301G>A on transcript NM_001142800.2 (MANE Select); coding-DNA position 7301, G replaced by A.
Protein change: p.Arg2434Gln; replaces arginine 2434 with glutamine.
Molecular consequence: missense variant.
Genome position (GRCh38, 1-based): chr6:63,806,300, C>T on the plus strand (G>A on the coding strand, the complement: EYS is on the minus strand). VCF-style: chr6-63806300-C-T. GRCh37 (hg19) VCF-style: chr6-64516193-C-T.
Other names: c.7301G>A, p.Arg2434Gln (NM_001292009.2); short protein forms R2434Q.
Identifiers: ClinVar variation 1461991 (VCV001461991.8), dbSNP rs1316019179, ClinGen allele CA364387866.